The following is an entry in ClinVar:

NM_001354930.2(RIPK1):c.1008C>T (p.Ala336=)

Gene: RIPK1 (receptor interacting serine/threonine kinase 1; plus strand). Cytogenetic location: 6p25.2.
Variant type: single nucleotide variant.
Coding change: c.1008C>T on transcript NM_001354930.2 (MANE Select); coding-DNA position 1008, C replaced by T.
Protein change: p.Ala336=; no amino-acid change (alanine 336 retained).
Molecular consequence: synonymous variant.
Genome position (GRCh38, 1-based): chr6:3,105,483, C>T. VCF-style: chr6-3105483-C-T. GRCh37 (hg19) VCF-style: chr6-3105717-C-T.
Other names: c.519C>T, p.Ala173= (NM_001317061.3, NM_001354932.2, NM_001354933.2 and 1 more transcripts); c.870C>T, p.Ala290= (NM_001354931.2); c.1008C>T, p.Ala336= (NM_003804.6).
Identifiers: ClinVar variation 2101914 (VCV002101914.4), dbSNP rs2533340572, ClinGen allele CA448705656.

ClinVar aggregate classification (germline): Uncertain significance (1 of 4 stars; one submission).

gnomAD v4.1: 1 of 1,528,466 alleles (0.000065%); highest among the groups gnomAD compares: Non-Finnish European, 0.000088%; no homozygotes.

Submission:

Labcorp Genetics (formerly Invitae), Labcorp
Classification: Uncertain significance. Last evaluated: 2022-02-22. Review status: criteria provided, single submitter. Criteria: Invitae Variant Classification Sherloc (09022015). Collection method: clinical testing. Allele origin: germline.
Comment: This variant is not present in population databases (gnomAD no frequency). This sequence change affects codon 336 of the RIPK1 mRNA. It is a 'silent' change, meaning that it does not change the encoded amino acid sequence of the RIPK1 protein. This variant has not been reported in the literature in individuals affected with RIPK1-related conditions. In summary, the available evidence is currently insufficient to determine the role of this variant in disease. Therefore, it has been classified as a Variant of Uncertain Significance. Algorithms developed to predict the effect of sequence changes on RNA splicing suggest that this variant may create or strengthen a splice site.